The following is an entry in ClinVar:

NM_005068.3(SIM1):c.491T>A (p.Met164Lys)

Gene: SIM1 (SIM bHLH transcription factor 1; minus strand). Cytogenetic location: 6q16.3.
Variant type: single nucleotide variant.
Coding change: c.491T>A on transcript NM_005068.3 (MANE Select); coding-DNA position 491, T replaced by A.
Protein change: p.Met164Lys; replaces methionine 164 with lysine.
Molecular consequence: missense variant.
Genome position (GRCh38, 1-based): chr6:100,449,415, A>T on the plus strand (T>A on the coding strand, the complement: SIM1 is on the minus strand). VCF-style: chr6-100449415-A-T. GRCh37 (hg19) VCF-style: chr6-100897291-A-T.
Other names: c.491T>A, p.Met164Lys (NM_001374769.1); short protein forms M164K.
Identifiers: ClinVar variation 2502706 (VCV002502706.1), dbSNP rs2482139640, ClinGen allele CA365126163.

ClinVar aggregate classification (germline): Uncertain significance (1 of 4 stars; one submission).

Submission:

GeneDx
Classification: Uncertain significance. Last evaluated: 2022-11-17. Review status: criteria provided, single submitter. Criteria: GeneDx Variant Classification Process June 2021. Collection method: clinical testing. Allele origin: germline. Affected: yes.
Comment: Not observed at significant frequency in large population cohorts (gnomAD); In silico analysis supports that this missense variant has a deleterious effect on protein structure/function; Has not been previously published as pathogenic or benign to our knowledge